The following is an entry in ClinVar:

NM_032444.4(SLX4):c.1091C>A (p.Pro364His)

Gene: SLX4 (SLX4 structure-specific endonuclease subunit; minus strand). Cytogenetic location: 16p13.3.
Variant type: single nucleotide variant.
Coding change: c.1091C>A on transcript NM_032444.4 (MANE Select); coding-DNA position 1091, C replaced by A.
Protein change: p.Pro364His; replaces proline 364 with histidine.
Molecular consequence: missense variant.
Genome position (GRCh38, 1-based): chr16:3,601,051, G>T on the plus strand (C>A on the coding strand, the complement: SLX4 is on the minus strand). VCF-style: chr16-3601051-G-T. GRCh37 (hg19) VCF-style: chr16-3651052-G-T.
Other names: short protein forms P364H.
Identifiers: ClinVar variation 1714850 (VCV001714850.5), dbSNP rs2548221456, ClinGen allele CA394531526.
Genomic context (GRCh38, chr16:3,601,051, plus strand): 5'-GGGCTGCTGCTACCCTCAGGCTGTGCTGTCTGCAGCCGCACAGCCTGAAGCAGGAGCTGG[G>T]GGCCAACCTCCATCTTCACAGCACACTGCTTCAAGTGACTGGTTCTGCTCTTTAAGGTAA-3'
Protein context (NP_115820.2, residues 354-374): KQCAVKMEVG[Pro364His]QLLLQAVRLQ

ClinVar aggregate classification (germline): Uncertain significance (1 of 4 stars; one submission).

Conditions:
Fanconi anemia (FA). Also called: Fanconi's anemia. Identifiers: Orphanet 84, MedGen C0015625, MeSH D005199, MONDO:0019391.

Submission:

Labcorp Genetics (formerly Invitae), Labcorp
Classification: Uncertain significance for Fanconi anemia. Last evaluated: 2022-08-02. Review status: criteria provided, single submitter. Criteria: Invitae Variant Classification Sherloc (09022015). Collection method: clinical testing. Allele origin: germline.
Comment: In summary, the available evidence is currently insufficient to determine the role of this variant in disease. Therefore, it has been classified as a Variant of Uncertain Significance. Algorithms developed to predict the effect of missense changes on protein structure and function are either unavailable or do not agree on the potential impact of this missense change (SIFT: "Deleterious"; PolyPhen-2: "Probably Damaging"; Align-GVGD: "Class C0"). This variant has not been reported in the literature in individuals affected with SLX4-related conditions. This variant is not present in population databases (gnomAD no frequency). This sequence change replaces proline, which is neutral and non-polar, with histidine, which is basic and polar, at codon 364 of the SLX4 protein (p.Pro364His).